The following is an entry in ClinVar:

NM_001048174.2(MUTYH):c.282C>T (p.Asp94=)

Gene: MUTYH (mutY DNA glycosylase; minus strand). Cytogenetic location: 1p34.1.
Variant type: single nucleotide variant.
Coding change: c.282C>T on transcript NM_001048174.2 (MANE Select); coding-DNA position 282, C replaced by T.
Protein change: p.Asp94=; no amino-acid change (aspartic acid 94 retained).
Molecular consequence: synonymous variant. On other transcripts: missense variant (2), non-coding transcript variant (2).
Genome position (GRCh38, 1-based): chr1:45,333,307, G>A on the plus strand (C>T on the coding strand, the complement: MUTYH is on the minus strand). VCF-style: chr1-45333307-G-A. GRCh37 (hg19) VCF-style: chr1-45798979-G-A.
Other names: c.282C>T, p.Asp94= (NM_001048171.2, NM_001048173.2, NM_001293195.2); c.285C>T, p.Asp95= (NM_001048172.2); c.366C>T, p.Asp122= (NM_001128425.2); c.327C>T, p.Asp109= (NM_001293190.2); c.315C>T, p.Asp105= (NM_001293191.2); c.6C>T, p.Asp2= (NM_001293192.2, NM_001293196.2); c.11C>T, p.Thr4Ile (NM_001350650.2, NM_001350651.2); c.357C>T, p.Asp119= (NM_012222.3); short protein forms T4I.
Identifiers: ClinVar variation 233585 (VCV000233585.20), dbSNP rs876660505, ClinGen allele CA10577742.

ClinVar aggregate classification (germline): Likely benign. Review status: criteria provided, multiple submitters, no conflicts (2 of 4 stars). 6 submissions from 6 submitters: Likely benign (5). 1 of the submissions does not count toward it. Last evaluated 2025-10-09.

Conditions:
Hereditary cancer-predisposing syndrome. Also called: Tumor predisposition; Hereditary Cancer Syndrome; Neoplastic Syndromes, Hereditary; Hereditary neoplastic syndrome. Identifiers: Orphanet 140162, MedGen C0027672, MeSH D009386, MONDO:0015356.
Familial adenomatous polyposis 2. Also called: MYH-associated polyposis; FAP type 2; ADENOMAS, MULTIPLE COLORECTAL, AUTOSOMAL RECESSIVE; MUTYH Polyposis; MUTYH-associated polyposis; MUTYH-related attenuated familial adenomatous polyposis. Identifiers: Orphanet 220460, Orphanet 247798, MedGen C3272841, MONDO:0012041, OMIM 608456.

Allele frequency attached by ClinVar (database versions not stated): gnomAD exomes 0.00001; TOPMed 0.00001.
gnomAD v4.1: 8 of 1,614,102 alleles (0.0005%); highest among the groups gnomAD compares: African/African-American, 0.011%; no homozygotes.

Submissions (6):

Labcorp Genetics (formerly Invitae), Labcorp
Classification: Likely benign for Familial adenomatous polyposis 2. Last evaluated: 2025-10-09. Review status: criteria provided, single submitter. Criteria: Invitae Variant Classification Sherloc (09022015). Collection method: clinical testing. Allele origin: germline.

All of Us Research Program, National Institutes of Health
Classification: Likely benign for Familial adenomatous polyposis 2. Last evaluated: 2024-04-17. Review status: criteria provided, single submitter. Criteria: ACMG Guidelines, 2015. Collection method: clinical testing. Allele origin: germline. Inheritance: Autosomal recessive inheritance. Observed: 1 variant allele, 1 heterozygote.
Comment: This study involves interpretation of variants in research participants for the purpose of population health screening. Participant phenotype was not available at the time of variant classification. Additional details can be found in publication PMID: 35346344, PMCID: PMC8962531

Color Diagnostics, LLC DBA Color Health
Classification: Likely benign for Hereditary cancer-predisposing syndrome. Last evaluated: 2021-09-17. Review status: criteria provided, single submitter. Criteria: ACMG Guidelines, 2015. Collection method: clinical testing. Allele origin: germline.

GeneDx
Classification: Likely benign. Last evaluated: 2016-11-02. Review status: criteria provided, single submitter. Criteria: GeneDx Variant Classification (06012015). Collection method: clinical testing. Allele origin: germline. Affected: yes.
Comment: This variant is considered likely benign or benign based on one or more of the following criteria: it is a conservative change, it occurs at a poorly conserved position in the protein, it is predicted to be benign by multiple in silico algorithms, and/or has population frequency not consistent with disease.

Ambry Genetics
Classification: Likely benign for Hereditary cancer-predisposing syndrome. Last evaluated: 2015-08-24. Review status: criteria provided, single submitter. Criteria: Ambry Variant Classification Scheme 2023. Collection method: clinical testing. Allele origin: germline.

Counsyl
Classification: Likely benign for Familial adenomatous polyposis 2. Last evaluated: 2016-07-25. Review status: no assertion criteria provided. Collection method: clinical testing. Allele origin: unknown. Not counted in ClinVar's aggregate classification.

Literature cited by the submitters: PubMed 17949294 (cited by Ambry Genetics and Counsyl).